The following is an entry in ClinVar:

ClinVar aggregate classification (germline): Uncertain significance. Review status: criteria provided, multiple submitters, no conflicts (2 of 4 stars). 3 submissions from 3 submitters: Uncertain significance (3). Last evaluated 2023-08-10.

Allele frequency attached by ClinVar (database versions not stated): TOPMed 0.00005; gnomAD 0.00006.
gnomAD v4.1: 14 of 1,614,074 alleles (0.00087%); highest among the groups gnomAD compares: African/African-American, 0.019%; no homozygotes.

Submissions (3):

Labcorp Genetics (formerly Invitae), Labcorp
Classification: Uncertain significance. Last evaluated: 2023-08-10. Review status: criteria provided, single submitter. Criteria: Invitae Variant Classification Sherloc (09022015). Collection method: clinical testing. Allele origin: germline.
Comment: In summary, the available evidence is currently insufficient to determine the role of this variant in disease. Therefore, it has been classified as a Variant of Uncertain Significance. Advanced modeling of protein sequence and biophysical properties (such as structural, functional, and spatial information, amino acid conservation, physicochemical variation, residue mobility, and thermodynamic stability) performed at Invitae indicates that this missense variant is not expected to disrupt PDZD7 protein function. ClinVar contains an entry for this variant (Variation ID: 1058160). This variant has not been reported in the literature in individuals affected with PDZD7-related conditions. This variant is present in population databases (rs766182369, gnomAD 0.008%). This sequence change replaces serine, which is neutral and polar, with arginine, which is basic and polar, at codon 495 of the PDZD7 protein (p.Ser495Arg).

GeneDx
Classification: Uncertain significance. Last evaluated: 2023-04-26. Review status: criteria provided, single submitter. Criteria: GeneDx Variant Classification Process June 2021. Collection method: clinical testing. Allele origin: germline. Affected: yes.
Comment: In silico analysis supports that this missense variant does not alter protein structure/function; Has not been previously published as pathogenic or benign to our knowledge

Laboratory for Molecular Medicine, Mass General Brigham Personalized Medicine
Classification: Uncertain significance. Last evaluated: 2020-06-04. Review status: criteria provided, single submitter. Criteria: LMM Criteria. Collection method: clinical testing. Allele origin: germline. Observed: 1 variant allele.
Comment: The p.Ser495Arg variant in PDZD7 has not been previously reported in individuals with hearing loss but has been identified in 0.008% (2/24954) of African chromosomes by gnomAD. Computational prediction tools and conservation analyses suggest that this variant may not impact the protein, though this information is not predictive enough to rule out pathogenicity. In summary, the clinical significance of this variant is uncertain. ACMG/AMP Criteria applied: PM2_Supporting, BP4.

NM_001195263.2(PDZD7):c.1485C>A (p.Ser495Arg)

Gene: PDZD7 (PDZ domain containing 7; minus strand). Cytogenetic location: 10q24.31.
Variant type: single nucleotide variant.
Coding change: c.1485C>A on transcript NM_001195263.2 (MANE Select); coding-DNA position 1485, C replaced by A.
Protein change: p.Ser495Arg; replaces serine 495 with arginine.
Molecular consequence: missense variant.
Genome position (GRCh38, 1-based): chr10:101,018,136, G>T on the plus strand (C>A on the coding strand, the complement: PDZD7 is on the minus strand). VCF-style: chr10-101018136-G-T. GRCh37 (hg19) VCF-style: chr10-102777893-G-T.
Other names: c.1485C>A (NM_001195263.1); c.1513C>A, p.Pro505Thr (NM_001351044.2); c.1485C>A, p.Ser495Arg (NM_024895.5); short protein forms P505T, S495R.
Identifiers: ClinVar variation 1058160 (VCV001058160.11), dbSNP rs766182369, ClinGen allele CA5654081.
Genomic context (GRCh38, chr10:101,018,136, plus strand): 5'-TGTTTGATCAGCCCACTACTTACCTTTCTCTATGTCCAGGCGAGGGTAAGTTTTGGCCAG[G>T]CTCCCGCTGTCCAGTGTCCAGGCCTCTCTGCGCCCGTCCCGCGCTAGCCTCCCCTGCCGC-3'
Protein context (NP_001182192.1, residues 485-505): RREAWTLDSG[Ser495Arg]LAKTYPRLDI